The following is an entry in ClinVar:

ClinVar aggregate classification (germline): Uncertain significance (1 of 4 stars; one submission).

Allele frequency attached by ClinVar (database versions not stated): TOPMed below 0.00001; gnomAD 0.00001.
gnomAD v4.1: 1 of 1,614,066 alleles (0.000062%); highest among the groups gnomAD compares: African/African-American, 0.0013%; no homozygotes.

Submission:

Labcorp Genetics (formerly Invitae), Labcorp
Classification: Uncertain significance. Last evaluated: 2022-07-11. Review status: criteria provided, single submitter. Criteria: Invitae Variant Classification Sherloc (09022015). Collection method: clinical testing. Allele origin: germline.
Comment: In summary, the available evidence is currently insufficient to determine the role of this variant in disease. Therefore, it has been classified as a Variant of Uncertain Significance. Algorithms developed to predict the effect of missense changes on protein structure and function are either unavailable or do not agree on the potential impact of this missense change (SIFT: "Deleterious"; PolyPhen-2: "Benign"; Align-GVGD: "Class C25"). ClinVar contains an entry for this variant (Variation ID: 1000623). This variant has not been reported in the literature in individuals affected with USH2A-related conditions. This variant is present in population databases (no rsID available, gnomAD 0.01%). This sequence change replaces glutamine, which is neutral and polar, with leucine, which is neutral and non-polar, at codon 4290 of the USH2A protein (p.Gln4290Leu).

NM_206933.4(USH2A):c.12869A>T (p.Gln4290Leu)

Gene: USH2A (usherin; minus strand). Cytogenetic location: 1q41.
Variant type: single nucleotide variant.
Coding change: c.12869A>T on transcript NM_206933.4 (MANE Select); coding-DNA position 12869, A replaced by T.
Protein change: p.Gln4290Leu; replaces glutamine 4290 with leucine.
Molecular consequence: missense variant.
Genome position (GRCh38, 1-based): chr1:215,675,042, T>A on the plus strand (A>T on the coding strand, the complement: USH2A is on the minus strand). VCF-style: chr1-215675042-T-A. GRCh37 (hg19) VCF-style: chr1-215848384-T-A.
Other names: short protein forms Q4290L.
Identifiers: ClinVar variation 1000623 (VCV001000623.10), dbSNP rs1481528981, ClinGen allele CA344848575.